The following is an entry in ClinVar:

ClinVar aggregate classification (germline): Uncertain significance (1 of 4 stars; one submission).

gnomAD v4.1: 8 of 1,614,040 alleles (0.0005%); highest among the groups gnomAD compares: Admixed American, 0.0033%; no homozygotes.

Submission:

Labcorp Genetics (formerly Invitae), Labcorp
Classification: Uncertain significance. Last evaluated: 2024-04-10. Review status: criteria provided, single submitter. Criteria: Invitae Variant Classification Sherloc (09022015). Collection method: clinical testing. Allele origin: germline.
Comment: This sequence change replaces serine, which is neutral and polar, with arginine, which is basic and polar, at codon 253 of the MMP2 protein (p.Ser253Arg). This variant is present in population databases (no rsID available, gnomAD no frequency). This variant has not been reported in the literature in individuals affected with MMP2-related conditions. ClinVar contains an entry for this variant (Variation ID: 1464548). Advanced modeling of protein sequence and biophysical properties (such as structural, functional, and spatial information, amino acid conservation, physicochemical variation, residue mobility, and thermodynamic stability) performed at Invitae indicates that this missense variant is not expected to disrupt MMP2 protein function with a negative predictive value of 80%. In summary, the available evidence is currently insufficient to determine the role of this variant in disease. Therefore, it has been classified as a Variant of Uncertain Significance.

NM_004530.6(MMP2):c.759C>A (p.Ser253Arg)

Gene: MMP2 (matrix metallopeptidase 2; plus strand). Cytogenetic location: 16q12.2.
Variant type: single nucleotide variant.
Coding change: c.759C>A on transcript NM_004530.6 (MANE Select); coding-DNA position 759, C replaced by A.
Protein change: p.Ser253Arg; replaces serine 253 with arginine.
Molecular consequence: missense variant.
Genome position (GRCh38, 1-based): chr16:55,485,704, C>A. VCF-style: chr16-55485704-C-A. GRCh37 (hg19) VCF-style: chr16-55519616-C-A.
Other names: c.609C>A, p.Ser203Arg (NM_001127891.3); c.531C>A, p.Ser177Arg (NM_001302508.1, NM_001302509.2, NM_001302510.2); short protein forms S177R, S203R, S253R.
Identifiers: ClinVar variation 1464548 (VCV001464548.8), dbSNP rs148801200, ClinGen allele CA395933993.